The following is an entry in ClinVar:

NM_000135.4(FANCA):c.736G>A (p.Gly246Arg)

Gene: FANCA (FA complementation group A; minus strand). Cytogenetic location: 16q24.3.
Variant type: single nucleotide variant.
Coding change: c.736G>A on transcript NM_000135.4 (MANE Select); coding-DNA position 736, G replaced by A.
Protein change: p.Gly246Arg; replaces glycine 246 with arginine.
Molecular consequence: missense variant.
Genome position (GRCh38, 1-based): chr16:89,803,315, C>T on the plus strand (G>A on the coding strand, the complement: FANCA is on the minus strand). VCF-style: chr16-89803315-C-T. GRCh37 (hg19) VCF-style: chr16-89869723-C-T.
Other names: c.736G>A, p.Gly246Arg (NM_001018112.3, NM_001286167.3); c.640G>A, p.Gly214Arg (NM_001351830.2); short protein forms G214R, G246R.
Identifiers: ClinVar variation 3848279 (VCV003848279.1).

ClinVar aggregate classification (germline): Uncertain significance (1 of 4 stars; one submission).

Conditions:
Inborn genetic diseases. Identifiers: MedGen C0950123, MeSH D030342.

gnomAD v4.1: 13 of 1,614,116 alleles (0.00081%); highest among the groups gnomAD compares: Non-Finnish European, 0.001%; no homozygotes.

Submission:

Ambry Genetics
Classification: Uncertain significance for Inborn genetic diseases. Last evaluated: 2025-03-02. Review status: criteria provided, single submitter. Criteria: Ambry Variant Classification Scheme 2023. Collection method: clinical testing. Allele origin: germline.
Comment: The p.G246R variant (also known as c.736G>A), located in coding exon 8 of the FANCA gene, results from a G to A substitution at nucleotide position 736. The glycine at codon 246 is replaced by arginine, an amino acid with dissimilar properties. This amino acid position is conserved. In addition, the in silico prediction for this alteration is inconclusive. Based on the available evidence, the clinical significance of this variant remains unclear.